The following is an entry in ClinVar:

ClinVar aggregate classification (germline): Pathogenic. Review status: criteria provided, multiple submitters, no conflicts (2 of 4 stars). 2 submissions from 2 submitters: Pathogenic (2). Last evaluated 2026-02-09.

Submissions (2):

GeneDx
Classification: Pathogenic. Last evaluated: 2026-02-09. Review status: criteria provided, single submitter. Criteria: GeneDx Variant Classification Process June 2021. Collection method: clinical testing. Allele origin: germline. Affected: yes.
Comment: Identified in a patient with CHARGE syndrome in published literature (PMID: 21158681); Canonical splice site variant predicted to result in a null allele in a gene for which loss of function is a known mechanism of disease; Not observed at significant frequency in large population cohorts (gnomAD); This variant is associated with the following publications: (PMID: 33057194, 35982159, 37086723, 21158681)

Revvity Omics, Revvity
Classification: Pathogenic. Last evaluated: 2020-12-19. Review status: criteria provided, single submitter. Criteria: ACMG Guidelines, 2015. Collection method: clinical testing. Allele origin: germline.

NM_017780.4(CHD7):c.5050+1G>A

Gene: CHD7 (chromodomain helicase DNA binding protein 7; plus strand). Cytogenetic location: 8q12.2.
Variant type: single nucleotide variant.
Coding change: c.5050+1G>A on transcript NM_017780.4 (MANE Select); the canonical splice donor site of the intron after coding-DNA position 5050, G replaced by A.
Molecular consequence: splice donor variant. On other transcripts: intron variant (1).
Genome position (GRCh38, 1-based): chr8:60,845,064, G>A. VCF-style: chr8-60845064-G-A. GRCh37 (hg19) VCF-style: chr8-61757623-G-A.
Other names: c.1717-17165G>A (NM_001316690.1).
Identifiers: ClinVar variation 503614 (VCV000503614.7), dbSNP rs1554602466, ClinGen allele CA371320193.